The following is an entry in ClinVar:

NM_000061.3(BTK):c.1441T>A (p.Cys481Ser)

Gene: BTK (Bruton tyrosine kinase; minus strand). Cytogenetic location: Xq22.1.
Variant type: single nucleotide variant.
Coding change: c.1441T>A on transcript NM_000061.3 (MANE Select); coding-DNA position 1441, T replaced by A.
Protein change: p.Cys481Ser; replaces cysteine 481 with serine.
Molecular consequence: missense variant. On other transcripts: intron variant (1).
Genome position (GRCh38, 1-based): chrX:101,356,177, A>T on the plus strand (T>A on the coding strand, the complement: BTK is on the minus strand). VCF-style: chrX-101356177-A-T. GRCh37 (hg19) VCF-style: chrX-100611165-A-T.
Other names: p.Cys481Ser; c.1543T>A, p.Cys515Ser (NM_001287344.2); c.1039-1483T>A (NM_001287345.2); short protein forms C481S, C515S.
Identifiers: ClinVar variation 376204 (VCV000376204.13), dbSNP rs1057519826, ClinGen allele CA16602659.

ClinVar aggregate classification (germline): Conflicting classifications of pathogenicity. Review status: criteria provided, conflicting classifications (1 of 4 stars). 3 submissions from 3 submitters: Pathogenic (1); Uncertain significance (2). Last evaluated 2023-11-22.

Conditions:
X-linked agammaglobulinemia with growth hormone deficiency (IGHD3). Also called: ISOLATED GROWTH HORMONE DEFICIENCY, TYPE III, WITH AGAMMAGLOBULINEMIA; AGAMMAGLOBULINEMIA AND ISOLATED GROWTH HORMONE DEFICIENCY, X-LINKED; FLEISHER SYNDROME; HYPOGAMMAGLOBULINEMIA AND ISOLATED GROWTH HORMONE DEFICIENCY, X-LINKED; IGHD III; Isolated growth hormone deficiency type 3. Identifiers: Orphanet 231692, Orphanet 631, MedGen C0472813, MONDO:0010615, OMIM 307200.

Submissions (3):

Mayo Clinic Laboratories, Mayo Clinic
Classification: Uncertain significance. Last evaluated: 2023-11-22. Review status: criteria provided, single submitter. Criteria: ACMG Guidelines, 2015. Collection method: clinical testing. Allele origin: germline. Observed: 15 variant alleles.
Comment: PP2, PM1, PM2

Labcorp Genetics (formerly Invitae), Labcorp
Classification: Uncertain significance for X-linked agammaglobulinemia with growth hormone deficiency. Last evaluated: 2019-10-25. Review status: criteria provided, single submitter. Criteria: Invitae Variant Classification Sherloc (09022015). Collection method: clinical testing. Allele origin: germline.
Comment: This variant is not present in population databases (ExAC no frequency). This sequence change replaces cysteine with serine at codon 481 of the BTK protein (p.Cys481Ser). The cysteine residue is highly conserved and there is a moderate physicochemical difference between cysteine and serine. This variant has not been reported in the literature as a germline variant in individuals with BTK-related conditions. ClinVar contains an entry for this variant (Variation ID: 376204). In summary, the available evidence is currently insufficient to determine the role of this variant in disease. Therefore, it has been classified as a Variant of Uncertain Significance. Algorithms developed to predict the effect of missense changes on protein structure and function are either unavailable or do not agree on the potential impact of this missense change (SIFT: "Tolerated"; PolyPhen-2: "Possibly Damaging"; Align-GVGD: "Class C0").

Clinical Genetics and Genomics, Karolinska University Hospital
Classification: Pathogenic. Last evaluated: 2017-08-18. Review status: criteria provided, single submitter. Criteria: ACMG Guidelines, 2015. Collection method: clinical testing. Allele origin: germline. Affected: yes. Observed: 1 variant allele.

Literature cited by the submitters: PubMed 24869597 (cited by Mayo Clinic Laboratories, Mayo Clinic); PubMed 24869598 (cited by Mayo Clinic Laboratories, Mayo Clinic); PubMed 25189416 (cited by Mayo Clinic Laboratories, Mayo Clinic); PubMed 32492159 (cited by Mayo Clinic Laboratories, Mayo Clinic); PubMed 33226337 (cited by Mayo Clinic Laboratories, Mayo Clinic); PubMed 34177947 (cited by Mayo Clinic Laboratories, Mayo Clinic); PubMed 34249912 (cited by Mayo Clinic Laboratories, Mayo Clinic); PubMed 35196427 (cited by Mayo Clinic Laboratories, Mayo Clinic).